The following is an entry in ClinVar:

ClinVar aggregate classification (germline): Uncertain significance (1 of 4 stars; one submission).

Submission:

Labcorp Genetics (formerly Invitae), Labcorp
Classification: Uncertain significance. Last evaluated: 2024-02-06. Review status: criteria provided, single submitter. Criteria: Invitae Variant Classification Sherloc (09022015). Collection method: clinical testing. Allele origin: germline.
Comment: This sequence change affects codon 48 of the SOX11 mRNA. It is a 'silent' change, meaning that it does not change the encoded amino acid sequence of the SOX11 protein. This variant is present in population databases (rs778223735, gnomAD 0.0009%). This variant has not been reported in the literature in individuals affected with SOX11-related conditions. In summary, the available evidence is currently insufficient to determine the role of this variant in disease. Therefore, it has been classified as a Variant of Uncertain Significance.

NM_003108.4(SOX11):c.144C>T (p.His48=)

Gene: SOX11 (SRY-box transcription factor 11; plus strand). Cytogenetic location: 2p25.2.
Variant type: single nucleotide variant.
Coding change: c.144C>T on transcript NM_003108.4 (MANE Select); coding-DNA position 144, C replaced by T.
Protein change: p.His48=; no amino-acid change (histidine 48 retained).
Molecular consequence: synonymous variant.
Genome position (GRCh38, 1-based): chr2:5,692,865, C>T. VCF-style: chr2-5692865-C-T. GRCh37 (hg19) VCF-style: chr2-5832997-C-T.
Identifiers: ClinVar variation 3712946 (VCV003712946.2).